The following is an entry in ClinVar:

NM_032790.4(ORAI1):c.391G>A (p.Val131Met)

Gene: ORAI1 (ORAI calcium release-activated calcium modulator 1; plus strand). Cytogenetic location: 12q24.31.
Variant type: single nucleotide variant.
Coding change: c.391G>A on transcript NM_032790.4 (MANE Select); coding-DNA position 391, G replaced by A.
Protein change: p.Val131Met; replaces valine 131 with methionine.
Molecular consequence: missense variant. On other transcripts: non-coding transcript variant (1).
Genome position (GRCh38, 1-based): chr12:121,641,128, G>A. VCF-style: chr12-121641128-G-A. GRCh37 (hg19) VCF-style: chr12-122079034-G-A.
Other names: short protein forms V131M.
Identifiers: ClinVar variation 2637958 (VCV002637958.4), dbSNP rs2503543085, ClinGen allele CA386983032.
Genomic context (GRCh38, chr12:121,641,128, plus strand): 5'-GCTGACCACGACTACCCACCGGGGCTGCTCATCGCCTTCAGTGCCTGCACCACAGTGCTG[G>A]TGGCTGTGCACCTGTTTGCGCTCATGATCAGCACCTGCATCCTGCCCAACATCGAGGCGG-3'
Protein context (NP_116179.2, residues 121-141): IAFSACTTVL[Val131Met]AVHLFALMIS

ClinVar aggregate classification (germline): Conflicting classifications of pathogenicity. Review status: criteria provided, conflicting classifications (1 of 4 stars). 2 submissions from 2 submitters: Likely pathogenic (1); Uncertain significance (1). Last evaluated 2023-08-01.

Conditions:
Myopathy, tubular aggregate, 2 (TAM2). Identifiers: MedGen C4014557, MONDO:0014383, OMIM 615883.
Combined immunodeficiency due to ORAI1 deficiency. Also called: IMMUNODEFICIENCY 9. Identifiers: Orphanet 169090, Orphanet 317428, MedGen C2748568, MONDO:0013007, OMIM 612782.

Submissions (2):

Labcorp Genetics (formerly Invitae), Labcorp
Classification: Likely pathogenic for Myopathy, tubular aggregate, 2; Combined immunodeficiency due to ORAI1 deficiency. Last evaluated: 2023-08-01. Review status: criteria provided, single submitter. Criteria: Invitae Variant Classification Sherloc (09022015). Collection method: clinical testing. Allele origin: germline.
Comment: Experimental studies and prediction algorithms are not available or were not evaluated, and the functional significance of this variant is currently unknown. In summary, the currently available evidence indicates that the variant is pathogenic, but additional data are needed to prove that conclusively. Therefore, this variant has been classified as Likely Pathogenic. This missense change has been observed in individual(s) with clinical features of ORAI1-related conditions (Invitae). In at least one individual the variant was observed to be de novo. This sequence change replaces valine, which is neutral and non-polar, with methionine, which is neutral and non-polar, at codon 131 of the ORAI1 protein (p.Val131Met). This variant is not present in population databases (gnomAD no frequency).

Illumina Laboratory Services, Illumina
Classification: Uncertain significance for Myopathy, tubular aggregate, 2. Last evaluated: 2023-07-26. Review status: criteria provided, single submitter. Criteria: ICSLVariantClassificationCriteria RUGD 01 April 2020. Collection method: clinical testing. Allele origin: unknown.
Comment: The ORAI1 c.391G>A p.(Val131Met) missense variant has not, to our knowledge, been reported in the peer-reviewed literature. This variant is not observed in version 2.1.1 or version 3.1.2 of the Genome Aggregation Database. The p.Val131Met variant has been shown to segregate with disease. Based on the available evidence, the c.391G>A (p.Val131Met) variant is classified as a variant of uncertain significance for tubular aggregate myopathy.